The following is an entry in ClinVar:

ClinVar aggregate classification (germline): Uncertain significance (0 of 4 stars; one submission).

Conditions:
TNXB-related disorder. Also called: TNXB-related condition.

Submission:

PreventionGenetics, part of Exact Sciences
Classification: Uncertain significance for TNXB-related condition. Last evaluated: 2024-01-10. Review status: no assertion criteria provided. Collection method: clinical testing. Allele origin: germline.
Comment: The TNXB c.12253G>A variant is predicted to result in the amino acid substitution p.Glu4085Lys. To our knowledge, this variant has not been reported in the literature or in a large population database, indicating this variant is rare. At this time, the clinical significance of this variant is uncertain due to the absence of conclusive functional and genetic evidence.

NM_001365276.2(TNXB):c.12259G>A (p.Glu4087Lys)

Genes: TNXB (tenascin XB; minus strand), LOC106780803 (tenascin XB recombination region; plus strand). Cytogenetic location: 6p21.33.
Variant type: single nucleotide variant.
Coding change: c.12259G>A on transcript NM_001365276.2 (MANE Select); coding-DNA position 12259, G replaced by A.
Protein change: p.Glu4087Lys; replaces glutamic acid 4087 with lysine.
Molecular consequence: missense variant.
Genome position (GRCh38, 1-based): chr6:32,042,314, C>T on the plus strand (G>A on the coding strand, the complement: TNXB is on the minus strand). VCF-style: chr6-32042314-C-T. GRCh37 (hg19) VCF-style: chr6-32010091-C-T.
Other names: c.12253G>A, p.Glu4085Lys (NM_019105.8); c.1546G>A, p.Glu516Lys (NM_032470.4); short protein forms E4085K, E4087K, E516K.
Identifiers: ClinVar variation 3057557 (VCV003057557.2), dbSNP rs2483356861, ClinGen allele CA363516767.
Genomic context (GRCh38, chr6:32,042,314, plus strand): 5'-TGAGGCACTGACCCAGCCAGAACTCTCCAGAGATGTTCCCAAAACCATGGGCATAGTCCT[C>T]CCAGTCCCTCCAGAAGTCTGTCTGTCCATCCATGCGGCGCTGGAACACCTGGGAAGCAAG-3'
Protein context (NP_001352205.1, residues 4077-4097): DGQTDFWRDW[Glu4087Lys]DYAHGFGNIS